The following is an entry in ClinVar:

ClinVar aggregate classification (germline): Pathogenic (1 of 4 stars; one submission).

Conditions:
Breast-ovarian cancer, familial, susceptibility to, 1 (BROVCA1). Also called: BRCA1 Hereditary Breast and Ovarian Cancer; OVARIAN CANCER, SUSCEPTIBILITY TO. Identifiers: Orphanet 145, MedGen C2676676, MONDO:0011450, OMIM 604370. Disease mechanism: loss of function.

Submission:

Myriad Genetics, Inc.
Classification: Pathogenic for Breast-ovarian cancer, familial, susceptibility to, 1. Last evaluated: 2025-03-11. Review status: criteria provided, single submitter. Criteria: Myriad Autosomal Dominant, Autosomal Recessive and X-Linked Classification Criteria (2023). Collection method: clinical testing. Allele origin: unknown.
Comment: This variant is considered pathogenic. This variant occurs within a consensus splice junction and is predicted to result in abnormal mRNA splicing of either an out-of-frame exon or an in-frame exon necessary for protein stability and/or normal function. Functional studies indicate this variant impacts protein function [PMID: 10479726, 22505045]. This variant is strongly associated with more severe personal and family histories of cancer, typical for individuals with pathogenic variants in this gene [PMID: 25085752].

Literature cited by the submitters: PubMed 10479726; PubMed 22505045; PubMed 25085752.

NM_007294.4(BRCA1):c.547+2T>G

Gene: BRCA1 (BRCA1 DNA repair associated; minus strand). Cytogenetic location: 17q21.31.
Variant type: single nucleotide variant.
Coding change: c.547+2T>G on transcript NM_007294.4 (MANE Select); the canonical splice donor site of the intron after coding-DNA position 547, T replaced by G.
Molecular consequence: splice donor variant. On other transcripts: intron variant (2).
Genome position (GRCh38, 1-based): chr17:43,099,773, A>C on the plus strand (T>G on the coding strand, the complement: BRCA1 is on the minus strand). VCF-style: chr17-43099773-A-C. GRCh37 (hg19) VCF-style: chr17-41251790-A-C.
Other names: c.406+2T>G (NM_001408458.1, NM_001407922.1, NM_001408469.1 and 61 more transcripts); c.-218-4913T>G (NM_001407967.1, NM_001407966.1); c.166+2T>G (NM_001407959.1, NM_001408512.1, NM_001408510.1 and 3 more transcripts); c.403+2T>G (NM_001407931.1, NM_001407747.1, NM_001408470.1 and 35 more transcripts); c.163+2T>G (NM_001407962.1); c.337+2T>G (NM_001407885.1, NM_001407886.1, NM_001407881.1 and 37 more transcripts); c.544+2T>G (NM_001407686.1, NM_001408397.1, NM_001407632.1 and 65 more transcripts); c.547+2T>G (NM_001408436.1, NM_001407665.1, NM_001407980.1 and 96 more transcripts); and 5 more.
Identifiers: ClinVar variation 3904100 (VCV003904100.1).